The following is an entry in ClinVar:

ClinVar aggregate classification (germline): Likely benign. Review status: criteria provided, single submitter (1 of 4 stars). 2 submissions from 2 submitters: Likely benign (1). 1 of the submissions does not count toward it. Last evaluated 2025-03-26.

Conditions:
KIDINS220-related disorder. Also called: KIDINS220-related condition.

Allele frequency attached by ClinVar (database versions not stated): TOPMed 0.00018; 1000 Genomes Project 30x 0.00031; 1000 Genomes Project 0.00020; gnomAD 0.00018.
gnomAD v4.1: 55 of 1,614,142 alleles (0.0034%); highest among the groups gnomAD compares: African/African-American, 0.041%; 1 homozygote.

Submissions (2):

Labcorp Genetics (formerly Invitae), Labcorp
Classification: Likely benign. Last evaluated: 2025-03-26. Review status: criteria provided, single submitter. Criteria: Invitae Variant Classification Sherloc (09022015). Collection method: clinical testing. Allele origin: germline.

PreventionGenetics, part of Exact Sciences
Classification: Likely benign for KIDINS220-related condition. Last evaluated: 2021-05-26. Review status: no assertion criteria provided. Collection method: clinical testing. Allele origin: germline. Not counted in ClinVar's aggregate classification.
Comment: This variant is classified as likely benign based on ACMG/AMP sequence variant interpretation guidelines (Richards et al. 2015 PMID: 25741868, with internal and published modifications).

NM_020738.4(KIDINS220):c.4416C>G (p.Pro1472=)

Gene: KIDINS220 (kinase D interacting substrate 220; minus strand). Cytogenetic location: 2p25.1.
Variant type: single nucleotide variant.
Coding change: c.4416C>G on transcript NM_020738.4 (MANE Select); coding-DNA position 4416, C replaced by G.
Protein change: p.Pro1472=; no amino-acid change (proline 1472 retained).
Molecular consequence: synonymous variant. On other transcripts: intron variant (6).
Genome position (GRCh38, 1-based): chr2:8,731,620, G>C on the plus strand (C>G on the coding strand, the complement: KIDINS220 is on the minus strand). VCF-style: chr2-8731620-G-C. GRCh37 (hg19) VCF-style: chr2-8871750-G-C.
Other names: c.4419C>G, p.Pro1473= (NM_001348729.2); c.4362C>G, p.Pro1454= (NM_001348731.2); c.4359C>G, p.Pro1453= (NM_001348732.2); c.4248C>G, p.Pro1416= (NM_001348734.2); c.4245C>G, p.Pro1415= (NM_001348735.2); c.4119C>G, p.Pro1373= (NM_001348736.2); c.3882+1824C>G (NM_001348741.2, NM_001348742.2, NM_001348743.2); c.3996+1824C>G (NM_001348738.2); and 1 more.
Identifiers: ClinVar variation 3045808 (VCV003045808.4), dbSNP rs541446973, ClinGen allele CA1519365.
Genomic context (GRCh38, chr2:8,731,620, plus strand): 5'-TGGGAGAAGCTTACTGCCTGACTGATCTGATTTTTCATCTTCTTCAGTGATAGGATCCAG[G>C]GGGGAAGCATCGTTGGTGGAAACCCCTGATGATGAATAATCGATAACATCTCCCCTCTTC-3'
Protein context (NP_065789.1, residues 1462-1482): SSGVSTNDAS[Pro1472=]LDPITEEDEK